The following is an entry in ClinVar:

NM_001278716.2(FBXL4):c.1729T>C (p.Leu577=)

Gene: FBXL4 (F-box and leucine rich repeat protein 4; minus strand). Cytogenetic location: 6q16.1.
Variant type: single nucleotide variant.
Coding change: c.1729T>C on transcript NM_001278716.2 (MANE Select); coding-DNA position 1729, T replaced by C.
Protein change: p.Leu577=; no amino-acid change (leucine 577 retained).
Molecular consequence: synonymous variant. On other transcripts: non-coding transcript variant (1).
Genome position (GRCh38, 1-based): chr6:98,874,415, A>G on the plus strand (T>C on the coding strand, the complement: FBXL4 is on the minus strand). VCF-style: chr6-98874415-A-G. GRCh37 (hg19) VCF-style: chr6-99322291-A-G.
Other names: c.1729T>C, p.Leu577= (NM_012160.5).
Identifiers: ClinVar variation 437803 (VCV000437803.3), dbSNP rs756228059, ClinGen allele CA3933354.

ClinVar aggregate classification (germline): Conflicting classifications of pathogenicity. Review status: criteria provided, conflicting classifications (1 of 4 stars). 2 submissions from 2 submitters: Uncertain significance (1); Likely benign (1). Last evaluated 2024-12-10.

Conditions:
Mitochondrial DNA depletion syndrome 13. Also called: FBXL4-Related Encephalomyopathic Mitochondrial DNA Depletion Syndrome; Mitochondrial DNA depletion syndrome 13 (encephalomyopathic type). Identifiers: Orphanet 369897, MedGen C3809592, MONDO:0014198, OMIM 615471.

Allele frequency attached by ClinVar (database versions not stated): gnomAD exomes below 0.00001; TOPMed below 0.00001; ExAC 0.00001; gnomAD 0.00001.
gnomAD v4.1: 5 of 1,610,336 alleles (0.00031%); highest among the groups gnomAD compares: Non-Finnish European, 0.00042%; no homozygotes.

Submissions (2):

Labcorp Genetics (formerly Invitae), Labcorp
Classification: Likely benign. Last evaluated: 2024-12-10. Review status: criteria provided, single submitter. Criteria: Invitae Variant Classification Sherloc (09022015). Collection method: clinical testing. Allele origin: germline.

Wong Mito Lab, Molecular and Human Genetics, Baylor College of Medicine
Classification: Uncertain significance for Mitochondrial DNA depletion syndrome 13. Last evaluated: 2017-08-10. Review status: criteria provided, single submitter. Criteria: ACMG Guidelines, 2015. Collection method: reference population. Allele origin: germline.
Comment: The NM_012160.4:c.1729T>C (NP_036292.2:p.Leu577=) [GRCH38: NC_000006.12:g.98874415A>G] variant in FBXL4 gene is interpretated to be a Uncertain Significance - Conflicting Evidence based on ACMG guidelines (PMID: 25741868). This variant meets one or more of the following evidence codes reported in the ACMG-guideline. PM2:This variant is absent in key population databases. BP4:Computational evidence/predictors indicate no impact on the FBXL4 structure, function, or protein-protein interaction. BP7:The variant is silent with non predicted splice impact. Based on this evidence code ClinGen Pathogenicity Calculator (PMID:28081714) suggested that the variant is Uncertain Significance - Conflicting Evidence.